The following is an entry in ClinVar:

NM_001555.5(IGSF1):c.3551G>A (p.Arg1184Gln)

Gene: IGSF1 (immunoglobulin superfamily member 1; minus strand). Cytogenetic location: Xq26.1.
Variant type: single nucleotide variant.
Coding change: c.3551G>A on transcript NM_001555.5 (MANE Select); coding-DNA position 3551, G replaced by A.
Protein change: p.Arg1184Gln; replaces arginine 1184 with glutamine.
Molecular consequence: missense variant.
Genome position (GRCh38, 1-based): chrX:131,274,799, C>T on the plus strand (G>A on the coding strand, the complement: IGSF1 is on the minus strand). VCF-style: chrX-131274799-C-T. GRCh37 (hg19) VCF-style: chrX-130408773-C-T.
Other names: c.3566G>A, p.Arg1189Gln (NM_001170961.2); c.3524G>A, p.Arg1175Gln (NM_001170962.2); short protein forms R1175Q, R1184Q, R1189Q.
Identifiers: ClinVar variation 3039420 (VCV003039420.3), dbSNP rs146525641, ClinGen allele CA10517624.
Genomic context (GRCh38, chrX:131,274,799, plus strand): 5'-TGCTGAGGTGCTTCTTCTCCATCATGTTCTAGGACAAATTCAACACCTGGCAGGGGTCCT[C>T]GGCACTGAAGGGTGATGTCCTTCCCTAACTTGAACATGGTGCTGGGCCAGGCTGACAGAG-3'
Protein context (NP_001546.2, residues 1174-1194): KLGKDITLQC[Arg1184Gln]GPLPGVEFVL

ClinVar aggregate classification (germline): Benign. Review status: criteria provided, single submitter (1 of 4 stars). 2 submissions from 2 submitters: Benign (1). 1 of the submissions does not count toward it. Last evaluated 2025-12-28.

Conditions:
IGSF1-related disorder. Also called: IGSF1-related condition.

Allele frequency attached by ClinVar (database versions not stated): ESP Exome Variant Server 0.00047; TOPMed 0.00065; gnomAD 0.00078; gnomAD exomes 0.00093; ExAC 0.00127; 1000 Genomes Project 30x 0.00291; 1000 Genomes Project 0.00344.

Submissions (2):

Labcorp Genetics (formerly Invitae), Labcorp
Classification: Benign. Last evaluated: 2025-12-28. Review status: criteria provided, single submitter. Criteria: Invitae Variant Classification Sherloc (09022015). Collection method: clinical testing. Allele origin: germline.

PreventionGenetics, part of Exact Sciences
Classification: Benign for IGSF1-related condition. Last evaluated: 2019-04-16. Review status: no assertion criteria provided. Collection method: clinical testing. Allele origin: germline. Not counted in ClinVar's aggregate classification.
Comment: This variant is classified as benign based on ACMG/AMP sequence variant interpretation guidelines (Richards et al. 2015 PMID: 25741868, with internal and published modifications).